The following is an entry in ClinVar:

NM_001037333.3(CYFIP2):c.3197G>A (p.Gly1066Glu)

Genes: CYFIP2 (cytoplasmic FMR1 interacting protein 2; plus strand), NIPAL4-DT (NIPAL4 divergent transcript; minus strand). Cytogenetic location: 5q33.3.
Variant type: single nucleotide variant.
Coding change: c.3197G>A on transcript NM_001037333.3 (MANE Select); coding-DNA position 3197, G replaced by A.
Protein change: p.Gly1066Glu; replaces glycine 1066 with glutamic acid.
Molecular consequence: missense variant.
Genome position (GRCh38, 1-based): chr5:157,383,349, G>A. VCF-style: chr5-157383349-G-A. GRCh37 (hg19) VCF-style: chr5-156810357-G-A.
Other names: c.3119G>A, p.Gly1040Glu (NM_001291721.2); c.3272G>A, p.Gly1091Glu (NM_001291722.2); c.3197G>A, p.Gly1066Glu (NM_014376.4); short protein forms G1066E, G1040E, G1091E.
Identifiers: ClinVar variation 2861954 (VCV002861954.3), dbSNP rs1766318282, ClinGen allele CA361981407.

ClinVar aggregate classification (germline): Uncertain significance (1 of 4 stars; one submission).

Submission:

Labcorp Genetics (formerly Invitae), Labcorp
Classification: Uncertain significance. Last evaluated: 2023-05-04. Review status: criteria provided, single submitter. Criteria: Invitae Variant Classification Sherloc (09022015). Collection method: clinical testing. Allele origin: germline.
Comment: This variant has not been reported in the literature in individuals affected with CYFIP2-related conditions. In summary, the available evidence is currently insufficient to determine the role of this variant in disease. Therefore, it has been classified as a Variant of Uncertain Significance. Experimental studies and prediction algorithms are not available or were not evaluated, and the functional significance of this variant is currently unknown. This variant is not present in population databases (gnomAD no frequency). This sequence change replaces glycine, which is neutral and non-polar, with glutamic acid, which is acidic and polar, at codon 1066 of the CYFIP2 protein (p.Gly1066Glu).